The following is an entry in ClinVar:

NM_004415.4(DSP):c.1685C>T (p.Ala562Val)

Gene: DSP (desmoplakin; plus strand). Cytogenetic location: 6p24.3.
Variant type: single nucleotide variant.
Coding change: c.1685C>T on transcript NM_004415.4 (MANE Select); coding-DNA position 1685, C replaced by T.
Protein change: p.Ala562Val; replaces alanine 562 with valine.
Molecular consequence: missense variant.
Genome position (GRCh38, 1-based): chr6:7,570,547, C>T. VCF-style: chr6-7570547-C-T. GRCh37 (hg19) VCF-style: chr6-7570780-C-T.
Other names: c.1685C>T, p.Ala562Val (NM_001008844.3, NM_001319034.2); short protein forms A562V.
Identifiers: ClinVar variation 920103 (VCV000920103.5), dbSNP rs767605301, ClinGen allele CA029248.

ClinVar aggregate classification (germline): Uncertain significance (1 of 4 stars; one submission).

Conditions:
Cardiomyopathy (CMYO). Also called: Cardiomyopathies. Identifiers: Orphanet 167848, MedGen C0878544, MONDO:0004994, HP:0001638. Inheritance: Various modes of inheritance.

Allele frequency attached by ClinVar (database versions not stated): ExAC 0.00001; gnomAD 0.00001; gnomAD exomes 0.00001.
gnomAD v4.1: 2 of 1,613,192 alleles (0.00012%); highest among the groups gnomAD compares: East Asian, 0.0045%; no homozygotes.

Submission:

Color Diagnostics, LLC DBA Color Health
Classification: Uncertain significance for Cardiomyopathy. Last evaluated: 2023-12-05. Review status: criteria provided, single submitter. Criteria: ACMG Guidelines, 2015. Collection method: clinical testing. Allele origin: germline.
Comment: Variant of Uncertain Significance due to insufficient evidence: This missense variant replaces alanine with valine at codon 562 of the DSP protein. Computational prediction tools and conservation analyses are inconclusive regarding the impact of this variant on the protein function. Computational splicing tools suggest that this variant may not impact RNA splicing. To our knowledge, functional assays have not been performed for this variant nor has this variant been reported in individuals affected with cardiovascular disorders in the literature. This variant has been identified in 2/245910 chromosomes in the general population by the Genome Aggregation Database (gnomAD). Available evidence is insufficient to determine the role of this variant in disease conclusively.